The following is an entry in ClinVar:

ClinVar aggregate classification (germline): Pathogenic (1 of 4 stars; one submission).

Allele frequency attached by ClinVar (database versions not stated): gnomAD exomes below 0.00001.
gnomAD v4.1: 1 of 1,614,072 alleles (0.000062%); highest among the groups gnomAD compares: Non-Finnish European, 0.000085%; no homozygotes.

Submission:

GeneDx
Classification: Pathogenic. Last evaluated: 2018-05-21. Review status: criteria provided, single submitter. Criteria: GeneDx Variant Classification (06012015). Collection method: clinical testing. Allele origin: germline. Affected: yes.
Comment: The c.2827-2 A>G splice site variant in the STIL gene destroys the canonical splice acceptor site of intron 15. It is predicted to cause abnormal gene splicing, either leading to an abnormal message that is subject to nonsense-mediated mRNA decay, or to an abnormal protein product if the message is used for protein translation. This variant is not observed in large population cohorts (Lek et al., 2016; 1000 Genomes Consortium et al., 2015; Exome Variant Server). Although this pathogenic variant has not been previously reported to our knowledge, it is interpreted to be a pathogenic variant.

NM_001048166.1(STIL):c.2830-2A>G

Gene: STIL (STIL centriolar assembly protein; minus strand). Cytogenetic location: 1p33.
Variant type: single nucleotide variant.
Coding change: c.2830-2A>G on transcript NM_001048166.1 (MANE Select); the canonical splice acceptor site of the intron before coding-DNA position 2830, A replaced by G.
Molecular consequence: splice acceptor variant.
Genome position (GRCh38, 1-based): chr1:47,260,541, T>C on the plus strand (A>G on the coding strand, the complement: STIL is on the minus strand). VCF-style: chr1-47260541-T-C. GRCh37 (hg19) VCF-style: chr1-47726213-T-C.
Other names: c.2689-2A>G (NM_001377417.1, NM_001282938.1); c.2827-2A>G (NM_003035.2, NM_001282936.1); c.2635-2A>G (NM_001282939.1); c.2776-2A>G (NM_001282937.1).
Identifiers: ClinVar variation 423587 (VCV000423587.2), dbSNP rs1064796510, ClinGen allele CA16617173.